The following is an entry in ClinVar:

ClinVar aggregate classification (germline): Uncertain significance. Review status: criteria provided, multiple submitters, no conflicts (2 of 4 stars). 4 submissions from 4 submitters: Uncertain significance (2). 2 of the submissions do not count toward it. Last evaluated 2025-09-27.

Conditions:
Primary familial hypertrophic cardiomyopathy (HCM). Identifiers: Orphanet 99739, MedGen C0949658, MeSH D024741, MONDO:0024573. Inheritance: Various modes of inheritance.

Allele frequency attached by ClinVar (database versions not stated): gnomAD exomes 0.00001 and 0.00003; ExAC 0.00004; gnomAD 0.00004; TOPMed 0.00006.
gnomAD v4.1: 17 of 1,614,032 alleles (0.0011%); highest among the groups gnomAD compares: African/African-American, 0.012%; no homozygotes.

Submissions (4):

Labcorp Genetics (formerly Invitae), Labcorp
Classification: Uncertain significance for Primary familial hypertrophic cardiomyopathy. Last evaluated: 2025-09-27. Review status: criteria provided, single submitter. Criteria: Invitae Variant Classification Sherloc (09022015). Collection method: clinical testing. Allele origin: germline.
Comment: This sequence change replaces lysine, which is basic and polar, with threonine, which is neutral and polar, at codon 184 of the ILK protein (p.Lys184Thr). This variant is present in population databases (rs762454800, gnomAD 0.05%), and has an allele count higher than expected for a pathogenic variant. This variant has not been reported in the literature in individuals affected with ILK-related conditions. ClinVar contains an entry for this variant (Variation ID: 1174719). An algorithm developed to predict the effect of missense changes on protein structure and function (PolyPhen-2) suggests that this variant is likely to be tolerated. In summary, the available evidence is currently insufficient to determine the role of this variant in disease. Therefore, it has been classified as a Variant of Uncertain Significance.

Ambry Genetics
Classification: Uncertain significance. Last evaluated: 2025-04-03. Review status: criteria provided, single submitter. Criteria: Ambry Variant Classification Scheme 2023. Collection method: clinical testing. Allele origin: germline.

Diagnostic Laboratory, Department of Genetics, University Medical Center Groningen
Classification: Uncertain significance. Review status: no assertion criteria provided. Collection method: clinical testing. Allele origin: germline. Affected: yes. Study: VKGL Data-share Consensus. Not counted in ClinVar's aggregate classification.

Genome Diagnostics Laboratory, University Medical Center Utrecht
Classification: Uncertain significance. Review status: no assertion criteria provided. Collection method: clinical testing. Allele origin: germline. Affected: yes. Study: VKGL Data-share Consensus. Not counted in ClinVar's aggregate classification.

NM_004517.4(ILK):c.551A>C (p.Lys184Thr)

Genes: ILK (integrin linked kinase; plus strand), TAF10 (TATA-box binding protein associated factor 10; minus strand). Cytogenetic location: 11p15.4.
Variant type: single nucleotide variant.
Coding change: c.551A>C on transcript NM_004517.4 (MANE Select); coding-DNA position 551, A replaced by C.
Protein change: p.Lys184Thr; replaces lysine 184 with threonine.
Molecular consequence: missense variant. On other transcripts: 3 prime UTR variant (1), intron variant (1).
Genome position (GRCh38, 1-based): chr11:6,609,089, A>C. VCF-style: chr11-6609089-A-C. GRCh37 (hg19) VCF-style: chr11-6630320-A-C.
Other names: c.551A>C, p.Lys184Thr (NM_001014794.3, NM_001014795.3); c.149A>C, p.Lys50Thr (NM_001278442.2); c.*1833T>G (NM_006284.4); c.435+122A>C (NM_001278441.2); short protein forms K184T, K50T.
Identifiers: ClinVar variation 1174719 (VCV001174719.9), dbSNP rs762454800, ClinGen allele CA5858103.
Genomic context (GRCh38, chr11:6,609,089, plus strand): 5'-GGTTAGGGTGAAGCTGGGTACCTGACCTGCCCACACTCTTAGGAAATGGAACCCTGAACA[A>C]ACACTCTGGCATTGACTTCAAACAGCTTAACTTCCTGACGAAGCTCAACGAGAATCACTC-3'
Protein context (NP_004508.1, residues 174-194): RTRPRNGTLN[Lys184Thr]HSGIDFKQLN